The following is an entry in ClinVar:

ClinVar aggregate classification (germline): Likely benign (1 of 4 stars; one submission).

Conditions:
Arrhythmogenic right ventricular cardiomyopathy (ARVD). Also called: Arrhythmogenic right ventricular dysplasia; Cardiomyopathy, ARVC; Arrhythmogenic cardiomyopathy; Arrhythmogenic Right Ventricular Cardiomyopathy (ARVC). Identifiers: Orphanet 247, MedGen C0349788, MeSH D019571, MONDO:0016587. Disease mechanism: loss of function. Inheritance: Various modes of inheritance.

gnomAD v4.1: 1 of 1,614,124 alleles (0.000062%); highest among the groups gnomAD compares: South Asian, 0.0011%; no homozygotes.

Submission:

All of Us Research Program, National Institutes of Health
Classification: Likely benign for Arrhythmogenic right ventricular cardiomyopathy. Last evaluated: 2024-02-22. Review status: criteria provided, single submitter. Criteria: ACMG Guidelines, 2015. Collection method: clinical testing. Allele origin: germline. Inheritance: Autosomal dominant inheritance. Observed: 1 variant allele, 1 heterozygote.
Comment: This study involves interpretation of variants in research participants for the purpose of population health screening. Participant phenotype was not available at the time of variant classification. Additional details can be found in publication PMID: 35346344, PMCID: PMC8962531

NM_001943.5(DSG2):c.1176C>T (p.Val392=)

Gene: DSG2 (desmoglein 2; plus strand). Cytogenetic location: 18q12.1.
Variant type: single nucleotide variant.
Coding change: c.1176C>T on transcript NM_001943.5 (MANE Select); coding-DNA position 1176, C replaced by T.
Protein change: p.Val392=; no amino-acid change (valine 392 retained).
Molecular consequence: synonymous variant.
Genome position (GRCh38, 1-based): chr18:31,531,148, C>T. VCF-style: chr18-31531148-C-T. GRCh37 (hg19) VCF-style: chr18-29111111-C-T.
Identifiers: ClinVar variation 3386582 (VCV003386582.1).